The following is an entry in ClinVar:

ClinVar aggregate classification (germline): Benign/Likely benign. Review status: criteria provided, multiple submitters, no conflicts (2 of 4 stars). 5 submissions from 5 submitters: Benign (2); Likely benign (3). Last evaluated 2026-04-01.

Conditions:
Inborn genetic diseases. Identifiers: MedGen C0950123, MeSH D030342.
Developmental and epileptic encephalopathy, 18 (DEE18). Also called: Early infantile epileptic encephalopathy 18. Identifiers: Orphanet 369894, MedGen C3809624, MONDO:0014201, OMIM 615476.

Allele frequency attached by ClinVar (database versions not stated): 1000 Genomes Project 30x 0.00062; ESP Exome Variant Server 0.00077; 1000 Genomes Project 0.00080; gnomAD 0.00090 and 0.00098; TOPMed 0.00099.
gnomAD v4.1: 277 of 1,613,486 alleles (0.017%); highest among the groups gnomAD compares: African/African-American, 0.34%; 1 homozygote.

Submissions (5):

CeGaT Center for Human Genetics Tuebingen
Classification: Likely benign. Last evaluated: 2026-04-01. Review status: criteria provided, single submitter. Criteria: CeGaT Center For Human Genetics Tuebingen Variant Classification Criteria Version 2. Collection method: clinical testing. Allele origin: germline. Affected: yes. Observed: 2 variant alleles.
Comment: SZT2: BP4, BP7

Labcorp Genetics (formerly Invitae), Labcorp
Classification: Benign. Last evaluated: 2025-12-30. Review status: criteria provided, single submitter. Criteria: Invitae Variant Classification Sherloc (09022015). Collection method: clinical testing. Allele origin: germline.

Genome-Nilou Lab
Classification: Benign for Developmental and epileptic encephalopathy, 18. Last evaluated: 2023-04-11. Review status: criteria provided, single submitter. Criteria: ACMG Guidelines, 2015. Collection method: clinical testing. Allele origin: germline. Affected: no.

GeneDx
Classification: Likely benign. Last evaluated: 2021-03-16. Review status: criteria provided, single submitter. Criteria: GeneDx Variant Classification Process June 2021. Collection method: clinical testing. Allele origin: germline. Affected: yes.

Ambry Genetics
Classification: Likely benign for Inborn genetic diseases. Last evaluated: 2018-07-19. Review status: criteria provided, single submitter. Criteria: Ambry Variant Classification Scheme 2023. Collection method: clinical testing. Allele origin: germline.

NM_001365999.1(SZT2):c.3570C>T (p.Val1190=)

Gene: SZT2 (SZT2 subunit of KICSTOR complex; plus strand). Cytogenetic location: 1p34.2.
Variant type: single nucleotide variant.
Coding change: c.3570C>T on transcript NM_001365999.1 (MANE Select); coding-DNA position 3570, C replaced by T.
Protein change: p.Val1190=; no amino-acid change (valine 1190 retained).
Molecular consequence: synonymous variant.
Genome position (GRCh38, 1-based): chr1:43,427,417, C>T. VCF-style: chr1-43427417-C-T. GRCh37 (hg19) VCF-style: chr1-43893088-C-T.
Other names: c.3399C>T, p.Val1133= (NM_015284.4).
Identifiers: ClinVar variation 416950 (VCV000416950.39), dbSNP rs147644619, ClinGen allele CA809021.